The following is an entry in ClinVar:

NM_001035.3(RYR2):c.11092-10A>T

Gene: RYR2 (ryanodine receptor 2; plus strand). Cytogenetic location: 1q43.
Variant type: single nucleotide variant.
Coding change: c.11092-10A>T on transcript NM_001035.3 (MANE Select); 10 bases into the intron before coding-DNA position 11092, A replaced by T.
Molecular consequence: intron variant.
Genome position (GRCh38, 1-based): chr1:237,742,286, A>T. VCF-style: chr1-237742286-A-T. GRCh37 (hg19) VCF-style: chr1-237905586-A-T.
Other names: c.11092-10A>T (LRG_402t1).
Identifiers: ClinVar variation 296751 (VCV000296751.27), dbSNP rs577119352, ClinGen allele CA084715.

ClinVar aggregate classification (germline): Benign/Likely benign. Review status: criteria provided, multiple submitters, no conflicts (2 of 4 stars). 10 submissions from 9 submitters: Benign (2); Likely benign (7). 1 of the submissions does not count toward it. Last evaluated 2026-02-03.

Conditions:
Catecholaminergic polymorphic ventricular tachycardia 1. Also called: RYR2-Related Catecholaminergic Polymorphic Ventricular Tachycardia; VENTRICULAR TACHYCARDIA, STRESS-INDUCED POLYMORPHIC 1; VENTRICULAR TACHYCARDIA, CATECHOLAMINERGIC POLYMORPHIC, 1, WITH OR WITHOUT ATRIAL DYSFUNCTION AND/OR DILATED CARDIOMYOPATHY. Identifiers: Orphanet 3286, MedGen C1631597, MONDO:0011484, OMIM 604772.
Arrhythmogenic right ventricular dysplasia 2. Identifiers: MedGen C1832931.
Ventricular arrhythmias due to cardiac ryanodine receptor calcium release deficiency syndrome. Also called: Autosomal dominant cardiac arrhythmia (Kuhn). Identifiers: MedGen C5542154, MONDO:0020745, OMIM 115000.
RYR2-related disorder. Also called: RYR2-related condition.
Catecholaminergic polymorphic ventricular tachycardia (CVPT). Also called: Catecholamine-induced polymorphic ventricular tachycardia. Identifiers: Orphanet 3286, MedGen C5574922, MONDO:0017990.
Cardiomyopathy (CMYO). Also called: Cardiomyopathies. Identifiers: Orphanet 167848, MedGen C0878544, MONDO:0004994, HP:0001638. Inheritance: Various modes of inheritance.

Allele frequency attached by ClinVar (database versions not stated): ExAC 0.00014; 1000 Genomes Project 30x 0.00016; gnomAD exomes 0.00023 and 0.00059; 1000 Genomes Project 0.00819.

Submissions (14):

Labcorp Genetics (formerly Invitae), Labcorp
Classification: Likely benign for Catecholaminergic polymorphic ventricular tachycardia 1. Last evaluated: 2026-02-03. Review status: criteria provided, single submitter. Criteria: Invitae Variant Classification Sherloc (09022015). Collection method: clinical testing. Allele origin: germline.

Molecular Diagnostic Laboratory for Inherited Cardiovascular Disease, Montreal Heart Institute
Classification: Likely benign. Last evaluated: 2025-04-09. Review status: criteria provided, single submitter. Criteria: ACMG Guidelines, 2015. Collection method: clinical testing. Allele origin: germline. Affected: no.
Comment: BS1

Blueprint Genetics
Classification: Likely benign. Last evaluated: 2024-01-23. Review status: criteria provided, single submitter. Criteria: ACMG Guidelines, 2015. Collection method: clinical testing. Allele origin: germline.

All of Us Research Program, National Institutes of Health
Classification: Likely benign for Catecholaminergic polymorphic ventricular tachycardia. Last evaluated: 2023-12-13. Review status: criteria provided, single submitter. Criteria: ACMG Guidelines, 2015. Collection method: clinical testing. Allele origin: germline. Inheritance: Autosomal dominant inheritance. Observed: 19 variant alleles, 19 heterozygotes.
Comment: This study involves interpretation of variants in research participants for the purpose of population health screening. Participant phenotype was not available at the time of variant classification. Additional details can be found in publication PMID: 35346344, PMCID: PMC8962531

Fulgent Genetics
Classification: Likely benign for Ventricular arrhythmias due to cardiac ryanodine receptor calcium release deficiency syndrome; Catecholaminergic polymorphic ventricular tachycardia 1. Last evaluated: 2021-07-27. Review status: criteria provided, single submitter. Criteria: ACMG Guidelines, 2015. Collection method: clinical testing. Allele origin: unknown.

Color Diagnostics, LLC DBA Color Health
Classification: Likely benign for Cardiomyopathy. Last evaluated: 2018-09-17. Review status: criteria provided, single submitter. Criteria: ACMG Guidelines, 2015. Collection method: clinical testing. Allele origin: germline.

Illumina Laboratory Services, Illumina
Classification: Benign for Catecholaminergic polymorphic ventricular tachycardia 1. Last evaluated: 2018-01-12. Review status: criteria provided, single submitter. Criteria: ICSL Variant Classification Criteria 13 December 2019. Collection method: clinical testing. Allele origin: germline.
Comment: This variant was observed in the ICSL laboratory as part of a predisposition screen in an ostensibly healthy population. It had not been previously curated by ICSL or reported in the Human Gene Mutation Database (HGMD: prior to June 1st, 2018), and was therefore a candidate for classification through an automated scoring system. Utilizing variant allele frequency, disease prevalence and penetrance estimates, and inheritance mode, an automated score was calculated to assess if this variant is too frequent to cause the disease. Based on the score and internal cut-off values, a variant classified as benign is not then subjected to further curation. The score for this variant resulted in a classification of benign for this disease.

Illumina Laboratory Services, Illumina
Classification: Likely benign for Catecholaminergic polymorphic ventricular tachycardia 1. Last evaluated: 2018-01-12. Review status: criteria provided, single submitter. Criteria: ICSL Variant Classification Criteria 13 December 2019. Collection method: clinical testing. Allele origin: germline.
Comment: This variant was observed in the ICSL laboratory as part of a predisposition screen in an ostensibly healthy population. It had not been previously curated by ICSL or reported in the Human Gene Mutation Database (HGMD: prior to June 1st, 2018), and was therefore a candidate for classification through an automated scoring system. Utilizing variant allele frequency, disease prevalence and penetrance estimates, and inheritance mode, an automated score was calculated to assess if this variant is too frequent to cause the disease. Based on the score and internal cut-off values, a variant classified as likely benign is not then subjected to further curation. The score for this variant resulted in a classification of likely benign for this disease.

GeneDx
Classification: Benign. Last evaluated: 2015-03-03. Review status: criteria provided, single submitter. Criteria: GeneDx Variant Classification Process June 2021. Collection method: clinical testing. Allele origin: germline. Affected: yes.

PreventionGenetics, part of Exact Sciences
Classification: Likely benign for RYR2-related condition. Last evaluated: 2019-08-09. Review status: no assertion criteria provided. Collection method: clinical testing. Allele origin: germline. Not counted in ClinVar's aggregate classification.
Comment: This variant is classified as likely benign based on ACMG/AMP sequence variant interpretation guidelines (Richards et al. 2015 PMID: 25741868, with internal and published modifications).

Dr. Peter K. Rogan Lab, Western University
No classification provided (evidence only). Condition: Familial cancer of breast. Review status: no classification provided. Collection method: in vitro. Allele origin: not applicable. Functional consequence: retained intron. Not counted in ClinVar's aggregate classification.

Dr. Peter K. Rogan Lab, Western University
No classification provided (evidence only). Condition: Acute myeloid leukemia. Review status: no classification provided. Collection method: in vitro. Allele origin: not applicable. Functional consequence: retained intron. Not counted in ClinVar's aggregate classification.

Dr. Peter K. Rogan Lab, Western University
No classification provided (evidence only). Condition: Cervical cancer. Review status: no classification provided. Collection method: in vitro. Allele origin: not applicable. Functional consequence: retained intron. Not counted in ClinVar's aggregate classification.

Dr. Peter K. Rogan Lab, Western University
No classification provided (evidence only). Condition: Malignant tumor of esophagus. Review status: no classification provided. Collection method: in vitro. Allele origin: not applicable. Functional consequence: retained intron. Not counted in ClinVar's aggregate classification.